The following is an entry in ClinVar:

NM_152393.4(KLHL40):c.988G>T (p.Ala330Ser)

Gene: KLHL40 (kelch like family member 40; plus strand). Cytogenetic location: 3p22.1.
Variant type: single nucleotide variant.
Coding change: c.988G>T on transcript NM_152393.4 (MANE Select); coding-DNA position 988, G replaced by T.
Protein change: p.Ala330Ser; replaces alanine 330 with serine.
Molecular consequence: missense variant.
Genome position (GRCh38, 1-based): chr3:42,686,606, G>T. VCF-style: chr3-42686606-G-T. GRCh37 (hg19) VCF-style: chr3-42728098-G-T.
Other names: short protein forms A330S.
Identifiers: ClinVar variation 1035847 (VCV001035847.5), dbSNP rs1439774487, ClinGen allele CA352292123.

ClinVar aggregate classification (germline): Uncertain significance (1 of 4 stars; one submission).

Conditions:
Nemaline myopathy 8 (NEM8). Also called: Nemaline myopathy 8, autosomal recessive. Identifiers: Orphanet 171430, MedGen C3809209, MONDO:0014138, OMIM 615348.

Allele frequency attached by ClinVar (database versions not stated): gnomAD exomes below 0.00001; gnomAD 0.00001 and 0.00002; TOPMed 0.00003.
gnomAD v4.1: 5 of 1,613,932 alleles (0.00031%); highest among the groups gnomAD compares: African/African-American, 0.0053%; no homozygotes.

Submission:

Labcorp Genetics (formerly Invitae), Labcorp
Classification: Uncertain significance for Nemaline myopathy 8. Last evaluated: 2020-06-19. Review status: criteria provided, single submitter. Criteria: Invitae Variant Classification Sherloc (09022015). Collection method: clinical testing. Allele origin: germline.
Comment: This sequence change replaces alanine with serine at codon 330 of the KLHL40 protein (p.Ala330Ser). The alanine residue is highly conserved and there is a moderate physicochemical difference between alanine and serine. This variant is not present in population databases (ExAC no frequency). This variant has not been reported in the literature in individuals with KLHL40-related conditions. Algorithms developed to predict the effect of missense changes on protein structure and function (SIFT, PolyPhen-2, Align-GVGD) all suggest that this variant is likely to be disruptive, but these predictions have not been confirmed by published functional studies and their clinical significance is uncertain. In summary, the available evidence is currently insufficient to determine the role of this variant in disease. Therefore, it has been classified as a Variant of Uncertain Significance.